The following is an entry in ClinVar:

ClinVar aggregate classification (germline): Likely benign. Review status: criteria provided, multiple submitters, no conflicts (2 of 4 stars). 2 submissions from 2 submitters: Likely benign (2). Last evaluated 2026-01-01.

Conditions:
SCAF4-related disorder. Also called: SCAF4-related condition.

Submissions (2):

CeGaT Center for Human Genetics Tuebingen
Classification: Likely benign. Last evaluated: 2026-01-01. Review status: criteria provided, single submitter. Criteria: CeGaT Center For Human Genetics Tuebingen Variant Classification Criteria Version 2. Collection method: clinical testing. Allele origin: germline. Affected: yes. Observed: 1 variant allele.
Comment: SCAF4: BP4, BP7

PreventionGenetics, part of Exact Sciences
Classification: Likely benign for SCAF4-related condition. Last evaluated: 2024-12-12. Review status: criteria provided, single submitter. Criteria: ACMG Guidelines, 2015. Collection method: clinical testing. Allele origin: germline.
Comment: This variant is classified as likely benign based on ACMG/AMP sequence variant interpretation guidelines (Richards et al. 2015 PMID: 25741868, with internal and published modifications).

NM_020706.2(SCAF4):c.519C>T (p.Ser173=)

Gene: SCAF4 (SR-related CTD associated factor 4; minus strand). Cytogenetic location: 21q22.11.
Variant type: single nucleotide variant.
Coding change: c.519C>T on transcript NM_020706.2 (MANE Select); coding-DNA position 519, C replaced by T.
Protein change: p.Ser173=; no amino-acid change (serine 173 retained).
Molecular consequence: synonymous variant.
Genome position (GRCh38, 1-based): chr21:31,701,857, G>A on the plus strand (C>T on the coding strand, the complement: SCAF4 is on the minus strand). VCF-style: chr21-31701857-G-A. GRCh37 (hg19) VCF-style: chr21-33074170-G-A.
Other names: c.474C>T, p.Ser158= (NM_001145444.1); c.519C>T, p.Ser173= (NM_001145445.1).
Identifiers: ClinVar variation 4821639 (VCV004821639.5).